The following is an entry in ClinVar:

NM_031418.4(ANO3):c.2191G>A (p.Asp731Asn)

Gene: ANO3 (anoctamin 3; plus strand). Cytogenetic location: 11p14.2.
Variant type: single nucleotide variant.
Coding change: c.2191G>A on transcript NM_031418.4 (MANE Select); coding-DNA position 2191, G replaced by A.
Protein change: p.Asp731Asn; replaces aspartic acid 731 with asparagine.
Molecular consequence: missense variant.
Genome position (GRCh38, 1-based): chr11:26,641,945, G>A. VCF-style: chr11-26641945-G-A. GRCh37 (hg19) VCF-style: chr11-26663492-G-A.
Other names: c.2374G>A, p.Asp792Asn (NM_001313726.2); c.1753G>A, p.Asp585Asn (NM_001313727.2); short protein forms D585N, D731N, D792N.
Identifiers: ClinVar variation 3376213 (VCV003376213.1).
Genomic context (GRCh38, chr11:26,641,945, plus strand): 5'-CTGTGATGTAGGTTGATCCAGAACTGGTGGTCACGACATAAAATCAAGCGGGGAATACAT[G>A]ATGCTTCCATACCTCAGTGGGAAAATGATTGGAATCTGCAGCCCATGAACCTTCATGGAC-3'
Protein context (NP_113606.2, residues 721-741): SRHKIKRGIH[Asp731Asn]ASIPQWENDW

ClinVar aggregate classification (germline): Uncertain significance (1 of 4 stars; one submission).

Conditions:
Dystonia 24 (DYT24). Also called: DYT-ANO3. Identifiers: Orphanet 420485, MedGen C3554374, MONDO:0014019, OMIM 615034.

Submission:

Pittsburgh Clinical Genomics Laboratory, University of Pittsburgh Medical Center
Classification: Uncertain significance for Dystonia 24. Last evaluated: 2022-08-26. Review status: criteria provided, single submitter. Criteria: ACMG Guidelines, 2015. Collection method: clinical testing. Allele origin: germline. Inheritance: Autosomal dominant inheritance. Affected: yes.
Comment: This sequence variant is a single nucleotide substitution (G>A) at coding nucleotide 2191 of the ANO3 gene that results in an aspartic acid to asparagine amino acid change at residue 731 of the ANO3 protein. This novel variant is not found in an online database of clinically annotated variants (ClinVar) and has not been observed in individuals with an ANO3-disorder in the published literature, to our knowledge. This variant is absent from the gnomAD control population dataset (0 of approximately 250,000 alleles). Multiple bioinformatic tools predict that this aspartic acid to asparagine amino acid change would be tolerated, though the Asp731 residue is strongly conserved across the vertebrate species examined. Studies examining the functiol consequence of this variant have not been published, to our knowledge. At this time, there is insufficient evidence to determine if this variant is pathogenic or benign. Therefore, we consider this a variant of uncertain significance. ACMG Criteria: BP4, PM2